The following is an entry in ClinVar:

NM_000384.3(APOB):c.6626T>C (p.Leu2209Ser)

Gene: APOB (apolipoprotein B; minus strand). Cytogenetic location: 2p24.1.
Variant type: single nucleotide variant.
Coding change: c.6626T>C on transcript NM_000384.3 (MANE Select); coding-DNA position 6626, T replaced by C.
Protein change: p.Leu2209Ser; replaces leucine 2209 with serine.
Molecular consequence: missense variant.
Genome position (GRCh38, 1-based): chr2:21,010,242, A>G on the plus strand (T>C on the coding strand, the complement: APOB is on the minus strand). VCF-style: chr2-21010242-A-G. GRCh37 (hg19) VCF-style: chr2-21233114-A-G.
Other names: short protein forms L2209S.
Identifiers: ClinVar variation 1754543 (VCV001754543.2), dbSNP rs2465371013, ClinGen allele CA346001304.

ClinVar aggregate classification (germline): Uncertain significance (1 of 4 stars; one submission).

Conditions:
Cardiovascular phenotype. Identifiers: MedGen CN230736.

Submission:

Ambry Genetics
Classification: Uncertain significance for Cardiovascular phenotype. Last evaluated: 2022-10-03. Review status: criteria provided, single submitter. Criteria: Ambry Variant Classification Scheme 2023. Collection method: clinical testing. Allele origin: germline.
Comment: The p.L2209S variant (also known as c.6626T>C), located in coding exon 26 of the APOB gene, results from a T to C substitution at nucleotide position 6626. The leucine at codon 2209 is replaced by serine, an amino acid with dissimilar properties. This amino acid position is conserved. In addition, this alteration is predicted to be tolerated by in silico analysis. Since supporting evidence is limited at this time, the clinical significance of this alteration remains unclear.